The following is an entry in ClinVar:

ClinVar aggregate classification (germline): Uncertain significance (1 of 4 stars; one submission).

Submission:

GeneDx
Classification: Uncertain significance. Last evaluated: 2023-07-21. Review status: criteria provided, single submitter. Criteria: GeneDx Variant Classification Process June 2021. Collection method: clinical testing. Allele origin: germline. Affected: yes.
Comment: Has not been previously published as pathogenic or benign to our knowledge; Not observed at significant frequency in large population cohorts (gnomAD); In silico analysis supports that this missense variant does not alter protein structure/function

NM_017780.4(CHD7):c.1100T>C (p.Ile367Thr)

Gene: CHD7 (chromodomain helicase DNA binding protein 7; plus strand). Cytogenetic location: 8q12.2.
Variant type: single nucleotide variant.
Coding change: c.1100T>C on transcript NM_017780.4 (MANE Select); coding-DNA position 1100, T replaced by C.
Protein change: p.Ile367Thr; replaces isoleucine 367 with threonine.
Molecular consequence: missense variant.
Genome position (GRCh38, 1-based): chr8:60,742,532, T>C. VCF-style: chr8-60742532-T-C. GRCh37 (hg19) VCF-style: chr8-61655091-T-C.
Other names: c.1100T>C, p.Ile367Thr (NM_001316690.1); short protein forms I367T.
Identifiers: ClinVar variation 3361390 (VCV003361390.1).
Genomic context (GRCh38, chr8:60,742,532, plus strand): 5'-ACCCCAATGCTGTAGGATTCCCATCAAACAGTGGTCAAGGACTAATGCACCAGCAGCCCA[T>C]CCACCCCAGTGGCTCACTTAACCAAATGAACACACAAACTATGCATCCTTCACAGCCTCA-3'
Protein context (NP_060250.2, residues 357-377): SGQGLMHQQP[Ile367Thr]HPSGSLNQMN